The following is an entry in ClinVar:

NM_025207.5(FLAD1):c.787C>T (p.Arg263Trp)

Gene: FLAD1 (flavin adenine dinucleotide synthetase 1; plus strand). Cytogenetic location: 1q21.3.
Variant type: single nucleotide variant.
Coding change: c.787C>T on transcript NM_025207.5 (MANE Select); coding-DNA position 787, C replaced by T.
Protein change: p.Arg263Trp; replaces arginine 263 with tryptophan.
Molecular consequence: missense variant.
Genome position (GRCh38, 1-based): chr1:154,988,519, C>T. VCF-style: chr1-154988519-C-T. GRCh37 (hg19) VCF-style: chr1-154960995-C-T.
Other names: p.Arg263Trp; c.496C>T, p.Arg166Trp (NM_001184891.2, NM_201398.3); c.490C>T, p.Arg164Trp (NM_001184892.2); short protein forms R164W, R166W, R263W.
Identifiers: ClinVar variation 730527 (VCV000730527.18), dbSNP rs146501091, ClinGen allele CA1134401.

ClinVar aggregate classification (germline): Conflicting classifications of pathogenicity. Review status: criteria provided, conflicting classifications (1 of 4 stars). 4 submissions from 4 submitters: Uncertain significance (2); Likely benign (1). 1 of the submissions does not count toward it. Last evaluated 2026-01-18.

Conditions:
FLAD1-related disorder. Also called: FLAD1-related condition.

Allele frequency attached by ClinVar (database versions not stated): gnomAD exomes 0.00025; ExAC 0.00027; gnomAD 0.00068 and 0.00075; TOPMed 0.00070; ESP Exome Variant Server 0.00077; 1000 Genomes Project 0.00080; 1000 Genomes Project 30x 0.00094.

Submissions (4):

Labcorp Genetics (formerly Invitae), Labcorp
Classification: Likely benign. Last evaluated: 2026-01-18. Review status: criteria provided, single submitter. Criteria: Invitae Variant Classification Sherloc (09022015). Collection method: clinical testing. Allele origin: germline.

Mayo Clinic Laboratories, Mayo Clinic
Classification: Uncertain significance. Last evaluated: 2025-03-17. Review status: criteria provided, single submitter. Criteria: ACMG Guidelines, 2015. Collection method: clinical testing. Allele origin: germline. Observed: 2 variant alleles.
Comment: BS1

GeneDx
Classification: Uncertain significance. Last evaluated: 2024-12-18. Review status: criteria provided, single submitter. Criteria: GeneDx Variant Classification Process June 2021. Collection method: clinical testing. Allele origin: germline. Affected: yes.
Comment: In silico analysis supports that this missense variant has a deleterious effect on protein structure/function; Has not been previously published as pathogenic or benign to our knowledge

PreventionGenetics, part of Exact Sciences
Classification: Likely benign for FLAD1-related condition. Last evaluated: 2023-08-05. Review status: no assertion criteria provided. Collection method: clinical testing. Allele origin: germline. Not counted in ClinVar's aggregate classification.
Comment: This variant is classified as likely benign based on ACMG/AMP sequence variant interpretation guidelines (Richards et al. 2015 PMID: 25741868, with internal and published modifications).